The following is an entry in ClinVar:

ClinVar aggregate classification (germline): Uncertain significance (1 of 4 stars; one submission).

Submission:

GeneDx
Classification: Uncertain significance. Last evaluated: 2025-06-03. Review status: criteria provided, single submitter. Criteria: GeneDx Variant Classification Process June 2021. Collection method: clinical testing. Allele origin: germline. Affected: yes.
Comment: Not observed at significant frequency in large population cohorts (gnomAD); In silico analysis suggests that this missense variant does not alter protein structure/function; Has not been previously published as pathogenic or benign to our knowledge

NM_001373.1:c.3163C>G

Gene: DNAH14 (dynein axonemal heavy chain 14; plus strand).
Variant type: single nucleotide variant.
Identifiers: ClinVar variation 4536159 (VCV004536159.1).